The following is an entry in ClinVar:

NM_001374828.1(ARID1B):c.3521C>G (p.Thr1174Ser)

Gene: ARID1B (AT-rich interaction domain 1B; plus strand). Cytogenetic location: 6q25.3.
Variant type: single nucleotide variant.
Coding change: c.3521C>G on transcript NM_001374828.1 (MANE Select); coding-DNA position 3521, C replaced by G.
Protein change: p.Thr1174Ser; replaces threonine 1174 with serine.
Molecular consequence: missense variant.
Genome position (GRCh38, 1-based): chr6:157,180,985, C>G. VCF-style: chr6-157180985-C-G. GRCh37 (hg19) VCF-style: chr6-157502119-C-G.
Other names: c.1022C>G, p.Thr341Ser (NM_001363725.2); c.3401C>G, p.Thr1134Ser (NM_001371656.1, NM_001374820.1); c.3362C>G, p.Thr1121Ser (NM_017519.3); c.3152C>G (NM_020732.3); short protein forms T1121S, T1134S, T1174S, T341S.
Identifiers: ClinVar variation 3384391 (VCV003384391.2).

ClinVar aggregate classification (germline): Uncertain significance. Review status: criteria provided, multiple submitters, no conflicts (2 of 4 stars). 2 submissions from 2 submitters: Uncertain significance (2). Last evaluated 2026-06-09.

Conditions:
Inborn genetic diseases. Identifiers: MedGen C0950123, MeSH D030342.

Submissions (2):

Ambry Genetics
Classification: Uncertain significance for Inborn genetic diseases. Last evaluated: 2026-06-09. Review status: criteria provided, single submitter. Criteria: Ambry Variant Classification Scheme 2023. Collection method: clinical testing. Allele origin: germline.

GeneDx
Classification: Uncertain significance. Last evaluated: 2024-06-09. Review status: criteria provided, single submitter. Criteria: GeneDx Variant Classification Process June 2021. Collection method: clinical testing. Allele origin: germline. Affected: yes.
Comment: Not observed at significant frequency in large population cohorts (gnomAD); In silico analysis indicates that this missense variant does not alter protein structure/function; Has not been previously published as pathogenic or benign to our knowledge